The following is an entry in ClinVar:

ClinVar aggregate classification (germline): Uncertain significance (1 of 4 stars; one submission).

Allele frequency attached by ClinVar (database versions not stated): ExAC 0.00001; gnomAD exomes 0.00003; ESP Exome Variant Server 0.00008.
gnomAD v4.1: 42 of 1,614,090 alleles (0.0026%); highest among the groups gnomAD compares: Non-Finnish European, 0.0036%; no homozygotes.

Submission:

Labcorp Genetics (formerly Invitae), Labcorp
Classification: Uncertain significance. Last evaluated: 2025-12-23. Review status: criteria provided, single submitter. Criteria: Invitae Variant Classification Sherloc (09022015). Collection method: clinical testing. Allele origin: germline.
Comment: This sequence change replaces serine, which is neutral and polar, with phenylalanine, which is neutral and non-polar, at codon 396 of the GABRB1 protein (p.Ser396Phe). This variant is present in population databases (rs377492047, gnomAD 0.004%). This variant has not been reported in the literature in individuals affected with GABRB1-related conditions. ClinVar contains an entry for this variant (Variation ID: 2417302). An algorithm developed to predict the effect of missense changes on protein structure and function (PolyPhen-2) suggests that this variant is likely to be tolerated. In summary, the available evidence is currently insufficient to determine the role of this variant in disease. Therefore, it has been classified as a Variant of Uncertain Significance.

NM_000812.4(GABRB1):c.1187C>T (p.Ser396Phe)

Gene: GABRB1 (gamma-aminobutyric acid type A receptor subunit beta1; plus strand). Cytogenetic location: 4p12.
Variant type: single nucleotide variant.
Coding change: c.1187C>T on transcript NM_000812.4 (MANE Select); coding-DNA position 1187, C replaced by T.
Protein change: p.Ser396Phe; replaces serine 396 with phenylalanine.
Molecular consequence: missense variant.
Genome position (GRCh38, 1-based): chr4:47,425,780, C>T. VCF-style: chr4-47425780-C-T. GRCh37 (hg19) VCF-style: chr4-47427797-C-T.
Other names: short protein forms S396F.
Identifiers: ClinVar variation 2417302 (VCV002417302.6), dbSNP rs377492047, ClinGen allele CA2907774.